The following is an entry in ClinVar:

NM_001244008.2(KIF1A):c.3347A>G (p.Glu1116Gly)

Gene: KIF1A (kinesin family member 1A; minus strand). Cytogenetic location: 2q37.3.
Variant type: single nucleotide variant.
Coding change: c.3347A>G on transcript NM_001244008.2 (MANE Select); coding-DNA position 3347, A replaced by G.
Protein change: p.Glu1116Gly; replaces glutamic acid 1116 with glycine.
Molecular consequence: missense variant.
Genome position (GRCh38, 1-based): chr2:240,745,765, T>C on the plus strand (A>G on the coding strand, the complement: KIF1A is on the minus strand). VCF-style: chr2-240745765-T-C. GRCh37 (hg19) VCF-style: chr2-241685182-T-C.
Other names: c.3071A>G, p.Glu1024Gly (NM_001320705.2, NM_001330289.2, NM_001379638.1); c.3146A>G, p.Glu1049Gly (NM_001330290.2, NM_001379634.1, NM_001379635.1 and 1 more transcripts); c.3422A>G, p.Glu1141Gly (NM_001379631.1); c.3296A>G, p.Glu1099Gly (NM_001379632.1); c.3320A>G, p.Glu1107Gly (NM_001379633.1, NM_001379642.1, NM_001379645.1); c.3044A>G, p.Glu1015Gly (NM_001379636.1, NM_001379639.1, NM_001379641.1 and 5 more transcripts); c.3119A>G, p.Glu1040Gly (NM_001379637.1, NM_001379648.1); c.3041A>G, p.Glu1014Gly (NM_001379640.1); short protein forms E1014G, E1015G, E1024G, E1040G, E1049G, E1099G, E1107G, E1116G.
Identifiers: ClinVar variation 3753701 (VCV003753701.2).

ClinVar aggregate classification (germline): Uncertain significance (1 of 4 stars; one submission).

Conditions:
Neuropathy, hereditary sensory, type 2C. Also called: KIF1A-Related HSAN2 (HSAN2C); Hereditary sensory and autonomic neuropathy type IIC. Identifiers: Orphanet 970, MedGen C3280168, MONDO:0013634, OMIM 614213.
Hereditary spastic paraplegia 30. Identifiers: Orphanet 101010, MedGen C5235139, MONDO:0012476.
Intellectual disability, autosomal dominant 9 (NESCAVS). Also called: KIF1A-Related Neurodevelopmental Disorder; NESCAV SYNDROME. Identifiers: Orphanet 662367, MedGen C5393830, MONDO:0013656, OMIM 614255.

Submission:

Labcorp Genetics (formerly Invitae), Labcorp
Classification: Uncertain significance for Hereditary spastic paraplegia 30; Neuropathy, hereditary sensory, type 2C; Intellectual disability, autosomal dominant 9. Last evaluated: 2024-04-12. Review status: criteria provided, single submitter. Criteria: Invitae Variant Classification Sherloc (09022015). Collection method: clinical testing. Allele origin: germline.
Comment: This sequence change replaces glutamic acid, which is acidic and polar, with glycine, which is neutral and non-polar, at codon 1015 of the KIF1A protein (p.Glu1015Gly). This variant is not present in population databases (gnomAD no frequency). This variant has not been reported in the literature in individuals affected with KIF1A-related conditions. Advanced modeling of protein sequence and biophysical properties (such as structural, functional, and spatial information, amino acid conservation, physicochemical variation, residue mobility, and thermodynamic stability) performed at Invitae indicates that this missense variant is not expected to disrupt KIF1A protein function with a negative predictive value of 95%. In summary, the available evidence is currently insufficient to determine the role of this variant in disease. Therefore, it has been classified as a Variant of Uncertain Significance.